The following is an entry in ClinVar:

NM_032242.4(PLXNA1):c.3831A>G (p.Thr1277=)

Gene: PLXNA1 (plexin A1; plus strand). Cytogenetic location: 3q21.3.
Variant type: single nucleotide variant.
Coding change: c.3831A>G on transcript NM_032242.4 (MANE Select); coding-DNA position 3831, A replaced by G.
Protein change: p.Thr1277=; no amino-acid change (threonine 1277 retained).
Molecular consequence: synonymous variant.
Genome position (GRCh38, 1-based): chr3:127,018,464, A>G. VCF-style: chr3-127018464-A-G. GRCh37 (hg19) VCF-style: chr3-126737307-A-G.
Identifiers: ClinVar variation 4988410 (VCV004988410.1).
Genomic context (GRCh38, chr3:127,018,464, plus strand): 5'-GCTGGTCATCGTGGCTGTGCTCATCGCCTACAAGCGCAAGTCACGAGATGCTGACCGCAC[A>G]CTCAAGCGGCTGCAGCTCCAGATGGACAACCTGGAGTCCCGCGTGGCCCTCGAATGCAAG-3'
Protein context (NP_115618.3, residues 1267-1287): YKRKSRDADR[Thr1277=]LKRLQLQMDN

ClinVar aggregate classification (germline): Likely benign (1 of 4 stars; one submission).

Conditions:
PLXNA1-related disorder. Also called: PLXNA1-related condition.

gnomAD v4.1: 10 of 1,612,902 alleles (0.00062%); highest among the groups gnomAD compares: Admixed American, 0.015%; no homozygotes.

Submission:

PreventionGenetics, part of Exact Sciences
Classification: Likely benign for PLXNA1-related condition. Last evaluated: 2025-07-23. Review status: criteria provided, single submitter. Criteria: ACMG Guidelines, 2015. Collection method: clinical testing. Allele origin: germline.
Comment: This variant is classified as likely benign based on ACMG/AMP sequence variant interpretation guidelines (Richards et al. 2015 PMID: 25741868, with internal and published modifications).